The following is an entry in ClinVar:

ClinVar aggregate classification (germline): Likely benign. Review status: criteria provided, multiple submitters, no conflicts (2 of 4 stars). 5 submissions from 5 submitters: Likely benign (4). 1 of the submissions does not count toward it. Last evaluated 2026-01-19.

Conditions:
SMAD6-related disease. Also called: SMAD6-related condition; SMAD6-related disorder. Identifiers: MedGen CN381596, MONDO:0700324.
Inborn genetic diseases. Identifiers: MedGen C0950123, MeSH D030342.
Aortic valve disease 2 (AOVD2). Identifiers: MedGen C3542024, MONDO:0013902, OMIM 614823.

Allele frequency attached by ClinVar (database versions not stated): ExAC 0.00133; gnomAD 0.00015 and 0.00025; TOPMed 0.00025; gnomAD exomes 0.00029 and 0.00046; ESP Exome Variant Server 0.00031; 1000 Genomes Project 30x 0.00094; 1000 Genomes Project 0.00100.
gnomAD v4.1: 466 of 1,569,058 alleles (0.03%); highest among the groups gnomAD compares: Middle Eastern, 0.4%; 3 homozygotes.

Submissions (5):

Labcorp Genetics (formerly Invitae), Labcorp
Classification: Likely benign for Aortic valve disease 2. Last evaluated: 2026-01-19. Review status: criteria provided, single submitter. Criteria: Invitae Variant Classification Sherloc (09022015). Collection method: clinical testing. Allele origin: germline.

CeGaT Center for Human Genetics Tuebingen
Classification: Likely benign. Last evaluated: 2025-09-01. Review status: criteria provided, single submitter. Criteria: CeGaT Center For Human Genetics Tuebingen Variant Classification Criteria Version 2. Collection method: clinical testing. Allele origin: germline. Affected: yes. Observed: 3 variant alleles.
Comment: SMAD6: BS1

Mayo Clinic Laboratories, Mayo Clinic
Classification: Likely benign. Last evaluated: 2025-01-31. Review status: criteria provided, single submitter. Criteria: ACMG Guidelines, 2015. Collection method: clinical testing. Allele origin: germline. Observed: 1 variant allele.
Comment: BS1, BS2_supporting

Ambry Genetics
Classification: Likely benign for Inborn genetic diseases. Last evaluated: 2022-02-17. Review status: criteria provided, single submitter. Criteria: Ambry Variant Classification Scheme 2023. Collection method: clinical testing. Allele origin: germline.

PreventionGenetics, part of Exact Sciences
Classification: Likely benign for SMAD6-related condition. Last evaluated: 2022-08-29. Review status: no assertion criteria provided. Collection method: clinical testing. Allele origin: germline. Not counted in ClinVar's aggregate classification.
Comment: This variant is classified as likely benign based on ACMG/AMP sequence variant interpretation guidelines (Richards et al. 2015 PMID: 25741868, with internal and published modifications).

Literature cited by the submitters: PubMed 27613157 (cited by Mayo Clinic Laboratories, Mayo Clinic).

NM_005585.5(SMAD6):c.956C>T (p.Ala319Val)

Gene: SMAD6 (SMAD family member 6; plus strand). Cytogenetic location: 15q22.31.
Variant type: single nucleotide variant.
Coding change: c.956C>T on transcript NM_005585.5 (MANE Select); coding-DNA position 956, C replaced by T.
Protein change: p.Ala319Val; replaces alanine 319 with valine.
Molecular consequence: missense variant. On other transcripts: non-coding transcript variant (1).
Genome position (GRCh38, 1-based): chr15:66,781,000, C>T. VCF-style: chr15-66781000-C-T. GRCh37 (hg19) VCF-style: chr15-67073338-C-T.
Other names: p.Ala319Val; short protein forms A319V.
Identifiers: ClinVar variation 413451 (VCV000413451.38), dbSNP rs148705603, ClinGen allele CA7626696.
Genomic context (GRCh38, chr15:66,781,000, plus strand): 5'-GGTGCCTCCCACCTCCCCACCCAGAATAACGCGGCGGTCCCTGTGCTTGTCCCGCAGACG[C>T]CAGCATGTCTCCGGACGCCACCAAGCCGAGCCACTGGTGCAGCGTGGCGTACTGGGAGCA-3'
Protein context (NP_005576.3, residues 309-329): LITAPGEFSD[Ala319Val]SMSPDATKPS